The following is an entry in ClinVar:

ClinVar aggregate classification (germline): Uncertain significance (0 of 4 stars; one submission).

Conditions:
MAGEL2-related disorder. Also called: MAGEL2-related condition.

gnomAD v4.1: 5 of 1,414,312 alleles (0.00035%); highest among the groups gnomAD compares: South Asian, 0.0031%; no homozygotes.

Submission:

PreventionGenetics, part of Exact Sciences
Classification: Uncertain significance for MAGEL2-related condition. Last evaluated: 2024-06-14. Review status: no assertion criteria provided. Collection method: clinical testing. Allele origin: germline.
Comment: The MAGEL2 c.1318G>A variant is predicted to result in the amino acid substitution p.Ala440Thr. To our knowledge, this variant has not been reported in the literature or in a large population database, indicating this variant is rare. At this time, the clinical significance of this variant is uncertain due to the absence of conclusive functional and genetic evidence.

NM_019066.5(MAGEL2):c.1318G>A (p.Ala440Thr)

Gene: MAGEL2 (MAGE family member L2; minus strand). Cytogenetic location: 15q11.2.
Variant type: single nucleotide variant.
Coding change: c.1318G>A on transcript NM_019066.5 (MANE Select); coding-DNA position 1318, G replaced by A.
Protein change: p.Ala440Thr; replaces alanine 440 with threonine.
Molecular consequence: missense variant.
Genome position (GRCh38, 1-based): chr15:23,646,425, C>T on the plus strand (G>A on the coding strand, the complement: MAGEL2 is on the minus strand). VCF-style: chr15-23646425-C-T. GRCh37 (hg19) VCF-style: chr15-23891572-C-T.
Other names: short protein forms A440T.
Identifiers: ClinVar variation 3352869 (VCV003352869.1).
Genomic context (GRCh38, chr15:23,646,425, plus strand): 5'-GGCGGATCACGGGTGGGGCCTGGCGGATCACGGGTGGGGCCTGGCGGATCACCGGTGGGG[C>T]CTGGCGGATCAGCGGTGGGGCCTGTCGCACCGGTGGTGGGCCAGGGCGGATGGGTGGTGG-3'
Protein context (NP_061939.3, residues 430-450): VRQAPPLIRQ[Ala440Thr]PPVIRQAPPV